The following is an entry in ClinVar:

ClinVar aggregate classification (germline): Likely pathogenic (1 of 4 stars; one submission).

Conditions:
Joubert syndrome. Also called: CEREBELLOPARENCHYMAL DISORDER IV; JOUBERT-BOLTSHAUSER SYNDROME; Familial aplasia of the vermis. Identifiers: Orphanet 475, MedGen C5979921, MONDO:0018772.
Meckel-Gruber syndrome. Also called: DYSENCEPHALIA SPLANCHNOCYSTICA; GRUBER SYNDROME; Dysencephalia splachnocystica. Identifiers: Orphanet 564, MedGen C0265215, MONDO:0018921.

Submission:

Labcorp Genetics (formerly Invitae), Labcorp
Classification: Likely pathogenic for Joubert syndrome; Meckel-Gruber syndrome. Last evaluated: 2022-11-01. Review status: criteria provided, single submitter. Criteria: Invitae Variant Classification Sherloc (09022015). Collection method: clinical testing. Allele origin: germline.
Comment: This variant is not present in population databases (gnomAD no frequency). This variant has not been reported in the literature in individuals affected with TCTN2-related conditions. Algorithms developed to predict the effect of sequence changes on RNA splicing suggest that this variant may disrupt the consensus splice site. In summary, the currently available evidence indicates that the variant is pathogenic, but additional data are needed to prove that conclusively. Therefore, this variant has been classified as Likely Pathogenic. This sequence change affects an acceptor splice site in intron 1 of the TCTN2 gene. It is expected to disrupt RNA splicing. Variants that disrupt the donor or acceptor splice site typically lead to a loss of protein function (PMID: 16199547), and loss-of-function variants in TCTN2 are known to be pathogenic (PMID: 21565611).

Literature cited by the submitters: PubMed 16199547; PubMed 21565611.

NM_024809.5(TCTN2):c.83-2A>G

Gene: TCTN2 (tectonic family member 2; plus strand). Cytogenetic location: 12q24.31.
Variant type: single nucleotide variant.
Coding change: c.83-2A>G on transcript NM_024809.5 (MANE Select); the canonical splice acceptor site of the intron before coding-DNA position 83, A replaced by G.
Molecular consequence: splice acceptor variant.
Genome position (GRCh38, 1-based): chr12:123,671,505, A>G. VCF-style: chr12-123671505-A-G. GRCh37 (hg19) VCF-style: chr12-124156052-A-G.
Other names: c.83-2A>G (NM_001410989.1, NM_001143850.3).
Identifiers: ClinVar variation 2088639 (VCV002088639.4), dbSNP rs2541746254, ClinGen allele CA387154956.
Genomic context (GRCh38, chr12:123,671,505, plus strand): 5'-ACACCTTAGGCGGTGATTCTTCCACTGCTAACCCCTCCTTGTCCCCTTTCCTTCCCGCCT[A>G]GCTTTCATCCCTCCTTTTATCCGAATGTCCGGCCCTGCGGTCAGCGCGTCCCTGGTCGGA-3'